The following is an entry in ClinVar:

ClinVar aggregate classification (germline): Benign. Review status: criteria provided, single submitter (1 of 4 stars). 2 submissions from 2 submitters: Benign (1). 1 of the submissions does not count toward it. Last evaluated 2019-12-31.

Conditions:
SPATA16-related disorder. Also called: SPATA16-related condition.

Allele frequency attached by ClinVar (database versions not stated): gnomAD exomes 0.00031 and 0.00096; ExAC 0.00119; 1000 Genomes Project 30x 0.00328; gnomAD 0.00331 and 0.00352; 1000 Genomes Project 0.00339; TOPMed 0.00390; ESP Exome Variant Server 0.00438.
gnomAD v4.1: 980 of 1,613,574 alleles (0.061%); highest among the groups gnomAD compares: African/African-American, 1.1%; 5 homozygotes.

Submissions (2):

Labcorp Genetics (formerly Invitae), Labcorp
Classification: Benign. Last evaluated: 2019-12-31. Review status: criteria provided, single submitter. Criteria: Invitae Variant Classification Sherloc (09022015). Collection method: clinical testing. Allele origin: germline.

PreventionGenetics, part of Exact Sciences
Classification: Benign for SPATA16-related condition. Last evaluated: 2021-05-06. Review status: no assertion criteria provided. Collection method: clinical testing. Allele origin: germline. Not counted in ClinVar's aggregate classification.
Comment: This variant is classified as benign based on ACMG/AMP sequence variant interpretation guidelines (Richards et al. 2015 PMID: 25741868, with internal and published modifications).

NM_031955.6(SPATA16):c.1708T>C (p.Ter570Gln)

Gene: SPATA16 (spermatogenesis associated 16; minus strand). Cytogenetic location: 3q26.31.
Variant type: single nucleotide variant.
Coding change: c.1708T>C on transcript NM_031955.6 (MANE Select); coding-DNA position 1708, T replaced by C.
Protein change: p.Ter570Gln.
Molecular consequence: stop lost.
Genome position (GRCh38, 1-based): chr3:172,889,572, A>G on the plus strand (T>C on the coding strand, the complement: SPATA16 is on the minus strand). VCF-style: chr3-172889572-A-G. GRCh37 (hg19) VCF-style: chr3-172607362-A-G.
Other names: *570Q.
Identifiers: ClinVar variation 710245 (VCV000710245.6), dbSNP rs141845742, ClinGen allele CA2707994.